The following is an entry in ClinVar:

ClinVar aggregate classification (germline): Likely benign. Review status: criteria provided, multiple submitters, no conflicts (2 of 4 stars). 2 submissions from 2 submitters: Likely benign (2). Last evaluated 2026-05-19.

Conditions:
KLHL24-related disorder. Also called: KLHL24-related condition.

gnomAD v4.1: 45 of 1,611,602 alleles (0.0028%); highest among the groups gnomAD compares: Middle Eastern, 0.033%; 1 homozygote.

Submissions (2):

PreventionGenetics, part of Exact Sciences
Classification: Likely benign for KLHL24-related condition. Last evaluated: 2026-05-19. Review status: criteria provided, single submitter. Criteria: ACMG Guidelines, 2015. Collection method: clinical testing. Allele origin: germline.
Comment: This variant is classified as likely benign based on ACMG/AMP sequence variant interpretation guidelines (Richards et al. 2015 PMID: 25741868, with internal and published modifications).

Blueprint Genetics
Classification: Likely benign. Last evaluated: 2024-02-02. Review status: criteria provided, single submitter. Criteria: ACMG Guidelines, 2015. Collection method: clinical testing. Allele origin: germline.

NM_017644.3(KLHL24):c.912G>A (p.Arg304=)

Gene: KLHL24 (kelch like family member 24; plus strand). Cytogenetic location: 3q27.1.
Variant type: single nucleotide variant.
Coding change: c.912G>A on transcript NM_017644.3 (MANE Select); coding-DNA position 912, G replaced by A.
Protein change: p.Arg304=; no amino-acid change (arginine 304 retained).
Molecular consequence: synonymous variant. On other transcripts: 5 prime UTR variant (2), non-coding transcript variant (2).
Genome position (GRCh38, 1-based): chr3:183,651,268, G>A. VCF-style: chr3-183651268-G-A. GRCh37 (hg19) VCF-style: chr3-183369056-G-A.
Other names: c.912G>A, p.Arg304= (NM_001349415.1, NM_001349416.1, NM_001349417.1 and 11 more transcripts); c.-55G>A (NM_001349428.1, NM_001349429.1).
Identifiers: ClinVar variation 4965138 (VCV004965138.2).